The following is an entry in ClinVar:

ClinVar aggregate classification (germline): Uncertain significance (1 of 4 stars; one submission).

Conditions:
Autosomal dominant nonsyndromic hearing loss 1. Also called: KONIGSMARK SYNDROME; DEAFNESS, AUTOSOMAL DOMINANT 1, WITH OR WITHOUT THROMBOCYTOPENIA. Identifiers: Orphanet 90635, MedGen C1852282, MONDO:0007424, OMIM 124900.
Progressive microcephaly-seizures-cortical blindness-developmental delay syndrome. Also called: Seizures, cortical blindness, and microcephaly syndrome. Identifiers: Orphanet 477814, MedGen C5567650, MONDO:0014714, OMIM 616632.

gnomAD v4.1: 1 of 1,258,434 alleles (0.000079%); highest among the groups gnomAD compares: Non-Finnish European, 0.00011%; no homozygotes.

Submission:

Labcorp Genetics (formerly Invitae), Labcorp
Classification: Uncertain significance for Progressive microcephaly-seizures-cortical blindness-developmental delay syndrome; Autosomal dominant nonsyndromic hearing loss 1. Last evaluated: 2020-07-26. Review status: criteria provided, single submitter. Criteria: Invitae Variant Classification Sherloc (09022015). Collection method: clinical testing. Allele origin: germline.
Comment: In summary, the available evidence is currently insufficient to determine the role of this variant in disease. Therefore, it has been classified as a Variant of Uncertain Significance. Algorithms developed to predict the effect of missense changes on protein structure and function are either unavailable or do not agree on the potential impact of this missense change (SIFT: "Tolerated"; PolyPhen-2: "Not Available"; Align-GVGD: "Class C0"). This variant has not been reported in the literature in individuals with DIAPH1-related conditions. This variant is not present in population databases (ExAC no frequency). This sequence change replaces proline with threonine at codon 701 of the DIAPH1 protein (p.Pro701Thr). The proline residue is weakly conserved and there is a small physicochemical difference between proline and threonine.

NM_005219.5(DIAPH1):c.2101C>A (p.Pro701Thr)

Gene: DIAPH1 (diaphanous related formin 1; minus strand). Cytogenetic location: 5q31.3.
Variant type: single nucleotide variant.
Coding change: c.2101C>A on transcript NM_005219.5 (MANE Select); coding-DNA position 2101, C replaced by A.
Protein change: p.Pro701Thr; replaces proline 701 with threonine.
Molecular consequence: missense variant.
Genome position (GRCh38, 1-based): chr5:141,573,749, G>T on the plus strand (C>A on the coding strand, the complement: DIAPH1 is on the minus strand). VCF-style: chr5-141573749-G-T. GRCh37 (hg19) VCF-style: chr5-140953316-G-T.
Other names: c.2074C>A, p.Pro692Thr (NM_001079812.3); c.2101C>A, p.Pro701Thr (NM_001314007.2); short protein forms P692T, P701T.
Identifiers: ClinVar variation 1020951 (VCV001020951.9), dbSNP rs576129553, ClinGen allele CA361518234.